The following is an entry in ClinVar:

NC_000023.10:g.(?_148564267)_(148586894_?)del

Gene: IDS (iduronate 2-sulfatase; minus strand). Cytogenetic location: Xq28.
Variant type: Deletion.
Identifiers: ClinVar variation 660140 (VCV000660140.1).

ClinVar aggregate classification (germline): Pathogenic (1 of 4 stars; one submission).

Conditions:
Mucopolysaccharidosis, MPS-II (MPS2). Also called: Hunter Syndrome; Mucopolysaccharidosis with skin involvement; Mucopolysaccharidosis type 2; IDS deficiency; Sulfoiduronate sulfatase deficiency; SIDS deficiency. Identifiers: Orphanet 580, Orphanet 79388, MedGen C0026705, MONDO:0010674, OMIM 309900.

Submission:

Labcorp Genetics (formerly Invitae), Labcorp
Classification: Pathogenic for Mucopolysaccharidosis, MPS-II. Last evaluated: 2018-08-29. Review status: criteria provided, single submitter. Criteria: Invitae Variant Classification Sherloc (09022015). Collection method: clinical testing. Allele origin: germline.
Comment: A gross deletion of the genomic region encompassing the full coding sequence of the IDS gene has been identified. The boundaries of this event are unknown as the deletion extends beyond the assayed region for this gene and therefore may encompass additional genes. Loss-of-function variants in IDS are known to be pathogenic. Deletions of the entire IDS gene have been reported in the literature in individuals affected with mucopolysaccharidosis II (PMID: 8829661, 17343270, 22190500, 22492741, 26762690). For these reasons, this variant has been classified as Pathogenic.

Literature cited by the submitters: PubMed 17343270; PubMed 8829661; PubMed 26762690; PubMed 22190500; PubMed 22492741.